The following is an entry in ClinVar:

ClinVar aggregate classification (germline): Uncertain significance (1 of 4 stars; one submission).

Conditions:
Arrhythmogenic cardiomyopathy with wooly hair and keratoderma. Also called: PALMOPLANTAR KERATODERMA WITH LEFT VENTRICULAR CARDIOMYOPATHY AND WOOLLY HAIR; Carvajal syndrome; Dilated cardiomyopathy with woolly hair and keratoderma; Arrhythmogenic cardiomyopathy with woolly hair and keratoderma. Identifiers: Orphanet 65282, MedGen C1854063, MONDO:0011581, OMIM 605676.

Submission:

All of Us Research Program, National Institutes of Health
Classification: Uncertain significance for Arrhythmogenic cardiomyopathy with wooly hair and keratoderma. Last evaluated: 2023-11-02. Review status: criteria provided, single submitter. Criteria: ACMG Guidelines, 2015. Collection method: clinical testing. Allele origin: germline. Inheritance: Autosomal dominant inheritance. Observed: 1 variant allele, 1 heterozygote.
Comment: This missense variant replaces glutamine with lysine at codon 100 of the DSP protein. Computational prediction suggests that this variant may not impact protein structure and function (internally defined REVEL score threshold <= 0.5, PMID: 27666373). To our knowledge, functional studies have not been reported for this variant. This variant has not been reported in individuals affected with DSP-related disorders in the literature. This variant has not been identified in the general population by the Genome Aggregation Database (gnomAD). The available evidence is insufficient to determine the role of this variant in disease conclusively. Therefore, this variant is classified as a Variant of Uncertain Significance.

This study involves interpretation of variants in research participants for the purpose of population health screening. Participant phenotype was not available at the time of variant classification. Additional details can be found in publication PMID: 35346344, PMCID: PMC8962531

NM_004415.4(DSP):c.298C>A (p.Gln100Lys)

Gene: DSP (desmoplakin; plus strand). Cytogenetic location: 6p24.3.
Variant type: single nucleotide variant.
Coding change: c.298C>A on transcript NM_004415.4 (MANE Select); coding-DNA position 298, C replaced by A.
Protein change: p.Gln100Lys; replaces glutamine 100 with lysine.
Molecular consequence: missense variant.
Genome position (GRCh38, 1-based): chr6:7,558,140, C>A. VCF-style: chr6-7558140-C-A. GRCh37 (hg19) VCF-style: chr6-7558373-C-A.
Other names: c.298C>A, p.Gln100Lys (NM_001008844.3, NM_001319034.2, NM_001406591.1); short protein forms Q100K.
Identifiers: ClinVar variation 3074237 (VCV003074237.1), dbSNP rs2533848962, ClinGen allele CA362671150.